The following is an entry in ClinVar:

NM_006361.6(HOXB13):c.278C>A (p.Ser93Tyr)

Gene: HOXB13 (homeobox B13; minus strand). Cytogenetic location: 17q21.32.
Variant type: single nucleotide variant.
Coding change: c.278C>A on transcript NM_006361.6 (MANE Select); coding-DNA position 278, C replaced by A.
Protein change: p.Ser93Tyr; replaces serine 93 with tyrosine.
Molecular consequence: missense variant.
Genome position (GRCh38, 1-based): chr17:48,728,316, G>T on the plus strand (C>A on the coding strand, the complement: HOXB13 is on the minus strand). VCF-style: chr17-48728316-G-T. GRCh37 (hg19) VCF-style: chr17-46805678-G-T.
Other names: short protein forms S93Y.
Identifiers: ClinVar variation 3615447 (VCV003615447.2).

ClinVar aggregate classification (germline): Uncertain significance (1 of 4 stars; one submission).

Submission:

Labcorp Genetics (formerly Invitae), Labcorp
Classification: Uncertain significance. Last evaluated: 2025-12-24. Review status: criteria provided, single submitter. Criteria: Invitae Variant Classification Sherloc (09022015). Collection method: clinical testing. Allele origin: germline.
Comment: This sequence change replaces serine, which is neutral and polar, with tyrosine, which is neutral and polar, at codon 93 of the HOXB13 protein (p.Ser93Tyr). This variant is not present in population databases (gnomAD no frequency). This variant has not been reported in the literature in individuals affected with HOXB13-related conditions. ClinVar contains an entry for this variant (Variation ID: 3615447). Invitae Evidence Modeling of protein sequence and biophysical properties (such as structural, functional, and spatial information, amino acid conservation, physicochemical variation, residue mobility, and thermodynamic stability) indicates that this missense variant is not expected to disrupt HOXB13 protein function with a negative predictive value of 80%. In summary, the available evidence is currently insufficient to determine the role of this variant in disease. Therefore, it has been classified as a Variant of Uncertain Significance.